The following is an entry in ClinVar:

NM_006846.4(SPINK5):c.494G>A (p.Arg165Gln)

Gene: SPINK5 (serine peptidase inhibitor Kazal type 5; plus strand). Cytogenetic location: 5q32.
Variant type: single nucleotide variant.
Coding change: c.494G>A on transcript NM_006846.4 (MANE Select); coding-DNA position 494, G replaced by A.
Protein change: p.Arg165Gln; replaces arginine 165 with glutamine.
Molecular consequence: missense variant.
Genome position (GRCh38, 1-based): chr5:148,089,513, G>A. VCF-style: chr5-148089513-G-A. GRCh37 (hg19) VCF-style: chr5-147469076-G-A.
Other names: c.494G>A, p.Arg165Gln (NM_001127698.2, NM_001127699.2); short protein forms R165Q.
Identifiers: ClinVar variation 1460831 (VCV001460831.8), dbSNP rs781071677, ClinGen allele CA3495253.
Genomic context (GRCh38, chr5:148,089,513, plus strand): 5'-ACAATCTTGGTAAGTTTCAAGTTCTTTTCCCTGTTCTTCAGGATGTATGCAGTGCTTTTC[G>A]GCCCTTTGTTAGAGATGGAAGACTTGGATGCACAAGGGAAAATGATCCTGTTCTTGGTCC-3'
Protein context (NP_006837.2, residues 155-175): NPEQDVCSAF[Arg165Gln]PFVRDGRLGC

ClinVar aggregate classification (germline): Uncertain significance (1 of 4 stars; one submission).

Conditions:
Ichthyosis linearis circumflexa. Identifiers: MedGen C0265962, MONDO:0043106, HP:0025810.

Allele frequency attached by ClinVar (database versions not stated): gnomAD exomes 0.00001; ExAC 0.00002.
gnomAD v4.1: 15 of 1,611,418 alleles (0.00093%); highest among the groups gnomAD compares: African/African-American, 0.0013%; no homozygotes.

Submission:

Labcorp Genetics (formerly Invitae), Labcorp
Classification: Uncertain significance for Ichthyosis linearis circumflexa. Last evaluated: 2024-12-02. Review status: criteria provided, single submitter. Criteria: Invitae Variant Classification Sherloc (09022015). Collection method: clinical testing. Allele origin: germline.
Comment: This sequence change replaces arginine, which is basic and polar, with glutamine, which is neutral and polar, at codon 165 of the SPINK5 protein (p.Arg165Gln). This variant is present in population databases (rs781071677, gnomAD 0.003%). This variant has not been reported in the literature in individuals affected with SPINK5-related conditions. ClinVar contains an entry for this variant (Variation ID: 1460831). Invitae Evidence Modeling of protein sequence and biophysical properties (such as structural, functional, and spatial information, amino acid conservation, physicochemical variation, residue mobility, and thermodynamic stability) has been performed for this missense variant. However, the output from this modeling did not meet the statistical confidence thresholds required to predict the impact of this variant on SPINK5 protein function. In summary, the available evidence is currently insufficient to determine the role of this variant in disease. Therefore, it has been classified as a Variant of Uncertain Significance.